The following is an entry in ClinVar:

NM_001113378.2(FANCI):c.879_882+14del

Gene: FANCI (FA complementation group I; plus strand). Cytogenetic location: 15q26.1.
Variant type: Deletion.
Coding change: c.879_882+14del on transcript NM_001113378.2 (MANE Select); coding-DNA position 879 through 14 bases into the intron after coding-DNA position 882, 18 bases deleted (AAAGGTAGCATCAAACTT).
Molecular consequence: splice donor variant.
Genome position (GRCh38, 1-based): chr15:89,268,522-89,268,539, AAAGGTAGCATCAAACTT deleted; deleting any 18 consecutive bases within chr15:89,268,518-89,268,539 gives the same sequence; the c. name uses the placement nearest the transcript's 3' end. VCF-style (leftmost placement, unchanged base first): chr15-89268517-CACTTAAAGGTAGCATCAA-C. GRCh37 (hg19) VCF-style: chr15-89811748-CACTTAAAGGTAGCATCAA-C.
Other names: c.879_882+14del (NM_018193.3, NM_001376911.1); c.600_603+14del (NM_001376910.1).
Identifiers: ClinVar variation 2709653 (VCV002709653.3), dbSNP rs2506072003, ClinGen allele CA2697549313.

ClinVar aggregate classification (germline): Likely pathogenic (1 of 4 stars; one submission).

Conditions:
Fanconi anemia (FA). Also called: Fanconi's anemia. Identifiers: Orphanet 84, MedGen C0015625, MeSH D005199, MONDO:0019391.

Submission:

Labcorp Genetics (formerly Invitae), Labcorp
Classification: Likely pathogenic for Fanconi anemia. Last evaluated: 2024-01-16. Review status: criteria provided, single submitter. Criteria: Invitae Variant Classification Sherloc (09022015). Collection method: clinical testing. Allele origin: germline.
Comment: This variant results in the deletion of part of exon 10 (c.879_882+14del) of the FANCI gene. It is expected to disrupt RNA splicing. Variants that disrupt the donor or acceptor splice site typically lead to a loss of protein function (PMID: 16199547), and loss-of-function variants in FANCI are known to be pathogenic (PMID: 17452773, 17460694). This variant is not present in population databases (gnomAD no frequency). This variant has not been reported in the literature in individuals affected with FANCI-related conditions. In summary, the currently available evidence indicates that the variant is pathogenic, but additional data are needed to prove that conclusively. Therefore, this variant has been classified as Likely Pathogenic.

Literature cited by the submitters: PubMed 16199547; PubMed 17452773; PubMed 17460694.